The following is an entry in ClinVar:

ClinVar aggregate classification (germline): Pathogenic. Review status: criteria provided, multiple submitters, no conflicts (2 of 4 stars). 10 submissions from 10 submitters: Pathogenic (8). 2 of the submissions do not count toward it. Last evaluated 2025-08-21.

Conditions:
MMUT-related disorder. Also called: MMUT-related condition.
Methylmalonic aciduria due to complete methylmalonyl-CoA mutase deficiency.
Methylmalonic aciduria due to methylmalonyl-CoA mutase deficiency (MAMM). Also called: Methylmalonic aciduria, mut type. Identifiers: Orphanet 27, MedGen C1855114, MONDO:0009612, OMIM 251000.
Methylmalonic acidemia (MMA). Also called: Isolated Methylmalonic Acidemia. Identifiers: MedGen C0268583, MeSH C537358, MONDO:0002012, HP:0002912.

Allele frequency attached by ClinVar (database versions not stated): gnomAD exomes 0.00003 and 0.00007; ExAC 0.00004; gnomAD 0.00005 and 0.00006; TOPMed 0.00006.
gnomAD v4.1: 47 of 1,613,488 alleles (0.0029%); highest among the groups gnomAD compares: Middle Eastern, 0.016%; no homozygotes.

Submissions (10):

Labcorp Genetics (formerly Invitae), Labcorp
Classification: Pathogenic. Last evaluated: 2025-08-21. Review status: criteria provided, single submitter. Criteria: Invitae Variant Classification Sherloc (09022015). Collection method: clinical testing. Allele origin: germline.
Comment: This sequence change replaces arginine, which is basic and polar, with histidine, which is basic and polar, at codon 369 of the MUT protein (p.Arg369His). This variant is present in population databases (rs564069299, gnomAD 0.02%). This missense change has been observed in individual(s) with methylmalonic acidemia (PMID: 9929975, 16281286, 16490061, 17075691, 17113806, 22614770, 27167370, 27751223). In at least one individual the data is consistent with being in trans (on the opposite chromosome) from a pathogenic variant. ClinVar contains an entry for this variant (Variation ID: 203846). Invitae Evidence Modeling of protein sequence and biophysical properties (such as structural, functional, and spatial information, amino acid conservation, physicochemical variation, residue mobility, and thermodynamic stability) indicates that this missense variant is expected to disrupt MUT protein function with a positive predictive value of 95%. Experimental studies have shown that this missense change affects MUT function (PMID: 25125334). This variant disrupts the p.Arg369 amino acid residue in MUT. Other variant(s) that disrupt this residue have been determined to be pathogenic (internal data). This suggests that this residue is clinically significant, and that variants that disrupt this residue are likely to be disease-causing. For these reasons, this variant has been classified as Pathogenic.

PreventionGenetics, part of Exact Sciences
Classification: Pathogenic for MMUT-related condition. Last evaluated: 2025-08-15. Review status: criteria provided, single submitter. Criteria: ACMG Guidelines, 2015. Collection method: clinical testing. Allele origin: germline.
Comment: The MMUT c.1106G>A variant is predicted to result in the amino acid substitution p.Arg369His. This variant has been reported in the homozygous or compound heterozygous state in several individuals with methylmalonic aciduria (see for examples, Han et al. 2019. PubMed ID: 31466887; Hörster et al. 2020. PubMed ID: 32754920; Guo et al. 2024. PubMed ID: 38128819). In vitro experimental studies suggest this variant essentially abolishes enzyme activity (Janata et al. 1997. PubMed ID: 9285782; Table S2, Forny et al. 2014. PubMed ID: 25125334). Additionally, an alternate missense substitution affecting the same amino acid (p.Arg369Cys) has also been reported in the compound heterozygous state in multiple individuals with methylmalonic aciduria (Hörster et al. 2020. PubMed ID: 32754920; Guo et al. 2024. PubMed ID: 38128819). The c.1106G>A (p.Arg369His) variant is reported in 0.015% of alleles in individuals of East Asian descent in gnomAD. In summary, this variant is interpreted as pathogenic.

Natera, Inc.
Classification: Pathogenic for Methylmalonic aciduria due to complete methylmalonyl-CoA mutase deficiency. Last evaluated: 2025-08-13. Review status: criteria provided, single submitter. Criteria: Natera Variant Classification Schema (03/2026). Collection method: clinical testing. Allele origin: germline.
Comment: The c.1106G>A variant in MMUT is a missense variant predicted to cause substitution of arginine to histidine at amino acid 369. This variant is rare in the general population with a frequency below the threshold expected for the associated phenotype(s). This variant has been observed in one or more individuals affected with the associated recessive disease, as either homozygous or compound heterozygous with a second variant (PMID: 31998365). Given the available evidence, this variant is classified as Pathogenic.

Fulgent Genetics
Classification: Pathogenic for Methylmalonic aciduria due to methylmalonyl-CoA mutase deficiency. Last evaluated: 2022-03-30. Review status: criteria provided, single submitter. Criteria: ACMG Guidelines, 2015. Collection method: clinical testing. Allele origin: unknown.

CeGaT Center for Human Genetics Tuebingen
Classification: Pathogenic. Last evaluated: 2019-08-01. Review status: criteria provided, single submitter. Criteria: CeGaT Center For Human Genetics Tuebingen Variant Classification Criteria Version 2. Collection method: clinical testing. Allele origin: germline. Affected: yes. Observed: 1 variant allele.

Women's Health and Genetics/Laboratory Corporation of America, LabCorp
Classification: Pathogenic for Methylmalonic acidemia. Last evaluated: 2019-03-29. Review status: criteria provided, single submitter. Criteria: LabCorp Variant Classification Summary - May 2015. Collection method: clinical testing. Allele origin: germline.
Comment: Variant summary: MUT c.1106G>A (p.Arg369His) results in a non-conservative amino acid change located in the Methylmalonyl-CoA mutase, alpha/beta chain, catalytic domain of the encoded protein sequence. Five of five in-silico tools predict a damaging effect of the variant on protein function. The variant allele was found at a frequency of 6.2e-05 in 276352 control chromosomes (gnomAD). The variant, c.1106G>A, has been reported in the literature in multiple individuals affected with Methylmalonic Acidemia (Mikami_1999, Sakamoto_2007, Harrington_2016). These data indicate that the variant is very likely to be associated with disease. In vitro studies indicate that this variant is associated with 1.3% of MUT activity compared to WT (Forny_2014). Four clinical diagnostic laboratories have submitted clinical-significance assessments for this variant to ClinVar after 2014 without evidence for independent evaluation. All laboratories classified the variant as pathogenic. Based on the evidence outlined above, the variant was classified as pathogenic

GeneDx
Classification: Pathogenic. Last evaluated: 2017-03-21. Review status: criteria provided, single submitter. Criteria: GeneDx Variant Classification (06012015). Collection method: clinical testing. Allele origin: germline. Affected: yes.
Comment: The R369H missense change in the MUT gene has been reported previously in association with methylmalonic acidemia (Janata et al. 1997; Lempp et al. 2007; Han et al. 2015). Expression studies found that R369H is associated with 1.3% methylmalonyl-CoA mutase activity compared to wild type (Forny et al. 2014). The R369H variant is not observed in large population cohorts (Lek et al., 2016; 1000 Genomes Consortium et al., 2015; Exome Variant Server). In summary, we interpret R369H to be a pathogenic variant.

Juno Genomics, Hangzhou Juno Genomics, Inc
Classification: Pathogenic for Methylmalonic aciduria due to methylmalonyl-CoA mutase deficiency. Review status: criteria provided, single submitter. Criteria: ACMG Guidelines, 2015. Collection method: clinical testing. Allele origin: germline.
Comment: Absent from controls (or at extremely low frequency if recessive) in Genome Aggregation Database.;Multiple lines of computational evidence support a deleterious effect on the gene or gene product.;For recessive disorders, detected in trans with a pathogenic variant.;Patient's phenotype or family history is highly specific for a disease with a single genetic etiology.

Counsyl
Classification: Pathogenic for Methylmalonic aciduria due to methylmalonyl-CoA mutase deficiency. Last evaluated: 2018-01-08. Review status: no assertion criteria provided. Collection method: clinical testing. Allele origin: unknown. Not counted in ClinVar's aggregate classification.

GeneReviews
No classification provided. Condition: Methylmalonic aciduria due to methylmalonyl-CoA mutase deficiency. Review status: no classification provided. Collection method: literature only. Allele origin: germline. Affected: yes. Not counted in ClinVar's aggregate classification.
Comment: mut0 enzymatic subtype

Literature cited by the submitters: PubMed 9929975 (cited by 3 submitters); PubMed 16281286 (cited by Labcorp Genetics (formerly Invitae), Labcorp and Counsyl); PubMed 16490061 (cited by Labcorp Genetics (formerly Invitae), Labcorp); PubMed 17075691 (cited by Labcorp Genetics (formerly Invitae), Labcorp and Women's Health and Genetics/Laboratory Corporation of America, LabCorp); PubMed 17113806 (cited by Labcorp Genetics (formerly Invitae), Labcorp); PubMed 22614770 (cited by Labcorp Genetics (formerly Invitae), Labcorp); PubMed 27167370 (cited by Labcorp Genetics (formerly Invitae), Labcorp); PubMed 27751223 (cited by Labcorp Genetics (formerly Invitae), Labcorp); PubMed 25125334 (cited by 3 submitters); PubMed 31998365 (cited by Natera, Inc.); PubMed 26790480 (cited by Women's Health and Genetics/Laboratory Corporation of America, LabCorp); PubMed 9285782 (cited by Counsyl); NCBI Bookshelf NBK1231 (cited by GeneReviews).

NM_000255.4(MMUT):c.1106G>A (p.Arg369His)

Gene: MMUT (methylmalonyl-CoA mutase; minus strand). Cytogenetic location: 6p12.3.
Variant type: single nucleotide variant.
Coding change: c.1106G>A on transcript NM_000255.4 (MANE Select); coding-DNA position 1106, G replaced by A.
Protein change: p.Arg369His; replaces arginine 369 with histidine.
Molecular consequence: missense variant.
Genome position (GRCh38, 1-based): chr6:49,451,692, C>T on the plus strand (G>A on the coding strand, the complement: MMUT is on the minus strand). VCF-style: chr6-49451692-C-T. GRCh37 (hg19) VCF-style: chr6-49419405-C-T.
Other names: p.R369H:CGT>CAT; short protein forms R369H.
Identifiers: ClinVar variation 203846 (VCV000203846.60), dbSNP rs564069299, ClinGen allele CA312764.